The following is an entry in ClinVar:

NM_032898.5(CEP19):c.296T>C (p.Ile99Thr)

Gene: CEP19 (centrosomal protein 19; minus strand). Cytogenetic location: 3q29.
Variant type: single nucleotide variant.
Coding change: c.296T>C on transcript NM_032898.5 (MANE Select); coding-DNA position 296, T replaced by C.
Protein change: p.Ile99Thr; replaces isoleucine 99 with threonine.
Molecular consequence: missense variant.
Genome position (GRCh38, 1-based): chr3:196,707,747, A>G on the plus strand (T>C on the coding strand, the complement: CEP19 is on the minus strand). VCF-style: chr3-196707747-A-G. GRCh37 (hg19) VCF-style: chr3-196434618-A-G.
Other names: c.191T>C, p.Ile64Thr (NM_001379468.1); c.296T>C, p.Ile99Thr (NM_001379469.1, NM_001379470.1); short protein forms I64T, I99T.
Identifiers: ClinVar variation 1484925 (VCV001484925.5), dbSNP rs1288671576, ClinGen allele CA355634334.

ClinVar aggregate classification (germline): Uncertain significance (1 of 4 stars; one submission).

Allele frequency attached by ClinVar (database versions not stated): gnomAD exomes below 0.00001; TOPMed below 0.00001.

Submission:

Labcorp Genetics (formerly Invitae), Labcorp
Classification: Uncertain significance. Last evaluated: 2022-06-27. Review status: criteria provided, single submitter. Criteria: Invitae Variant Classification Sherloc (09022015). Collection method: clinical testing. Allele origin: germline.
Comment: This sequence change replaces isoleucine, which is neutral and non-polar, with threonine, which is neutral and polar, at codon 103 of the CEP19 protein (p.Ile103Thr). This variant is not present in population databases (gnomAD no frequency). This variant has not been reported in the literature in individuals affected with CEP19-related conditions. Algorithms developed to predict the effect of missense changes on protein structure and function are either unavailable or do not agree on the potential impact of this missense change (SIFT: "Deleterious"; PolyPhen-2: "Benign"; Align-GVGD: "Class C0"). In summary, the available evidence is currently insufficient to determine the role of this variant in disease. Therefore, it has been classified as a Variant of Uncertain Significance.